The following is an entry in ClinVar:

NM_000051.4(ATM):c.1961A>C (p.Gln654Pro)

Gene: ATM (ATM serine/threonine kinase; plus strand). Cytogenetic location: 11q22.3.
Variant type: single nucleotide variant.
Coding change: c.1961A>C on transcript NM_000051.4 (MANE Select); coding-DNA position 1961, A replaced by C.
Protein change: p.Gln654Pro; replaces glutamine 654 with proline.
Molecular consequence: missense variant.
Genome position (GRCh38, 1-based): chr11:108,253,876, A>C. VCF-style: chr11-108253876-A-C. GRCh37 (hg19) VCF-style: chr11-108124603-A-C.
Other names: c.1961A>C, p.Gln654Pro (NM_001351834.2); short protein forms Q654P.
Identifiers: ClinVar variation 232749 (VCV000232749.19), dbSNP rs876659966, ClinGen allele CA10579034.

ClinVar aggregate classification (germline): Uncertain significance. Review status: criteria provided, multiple submitters, no conflicts (2 of 4 stars). 6 submissions from 6 submitters: Uncertain significance (5). 1 of the submissions does not count toward it. Last evaluated 2025-09-03.

Conditions:
Hereditary cancer-predisposing syndrome. Also called: Hereditary Cancer Syndrome; Neoplastic Syndromes, Hereditary; Tumor predisposition; Hereditary neoplastic syndrome. Identifiers: Orphanet 140162, MedGen C0027672, MeSH D009386, MONDO:0015356.
Familial cancer of breast. Also called: Hereditary breast cancer; hereditary breast carcinoma; BREAST CANCER, FAMILIAL. Identifiers: Orphanet 227535, MedGen C0346153, MONDO:0016419, OMIM 114480. Disease mechanism: loss of function.
Ataxia-telangiectasia syndrome (AT). Also called: Ataxia telangiectasia (A-T); Ataxia-telangiectasia, complementation group E; LOUIS-BAR SYNDROME; Cerebello-oculocutaneous telangiectasia; Immunodeficiency with ataxia telangiectasia; Ataxia-telangiectasia, complementation group D. Identifiers: Orphanet 100, MedGen C0004135, MONDO:0008840, OMIM 208900.

Allele frequency attached by ClinVar (database versions not stated): TOPMed below 0.00001; gnomAD 0.00001.

Submissions (6):

Labcorp Genetics (formerly Invitae), Labcorp
Classification: Uncertain significance for Ataxia-telangiectasia syndrome. Last evaluated: 2025-09-03. Review status: criteria provided, single submitter. Criteria: Invitae Variant Classification Sherloc (09022015). Collection method: clinical testing. Allele origin: germline.
Comment: This sequence change replaces glutamine, which is neutral and polar, with proline, which is neutral and non-polar, at codon 654 of the ATM protein (p.Gln654Pro). This variant is not present in population databases (gnomAD no frequency). This variant has not been reported in the literature in individuals affected with ATM-related conditions. ClinVar contains an entry for this variant (Variation ID: 232749). Invitae Evidence Modeling of protein sequence and biophysical properties (such as structural, functional, and spatial information, amino acid conservation, physicochemical variation, residue mobility, and thermodynamic stability) indicates that this missense variant is not expected to disrupt ATM protein function with a negative predictive value of 95%. In summary, the available evidence is currently insufficient to determine the role of this variant in disease. Therefore, it has been classified as a Variant of Uncertain Significance.

Quest Diagnostics Nichols Institute San Juan Capistrano
Classification: Uncertain significance. Last evaluated: 2024-08-26. Review status: criteria provided, single submitter. Criteria: Quest Diagnostics criteria. Collection method: clinical testing. Allele origin: unknown.
Comment: The ATM c.1961A>C (p.Gln654Pro) variant has not been reported in individuals with ATM-related conditions in the published literature. The frequency of this variant in the general population, 0.0000066 (1/152220 chromosomes (Genome Aggregation Database)), is uninformative in the assessment of its pathogenicity. Analysis of this variant using bioinformatics tools for the prediction of the effect of amino acid changes on protein structure and function yielded predictions that this variant is benign. Based on the available information, we are unable to determine the clinical significance of this variant.

Baylor Genetics
Classification: Uncertain significance for Familial cancer of breast. Last evaluated: 2024-02-15. Review status: criteria provided, single submitter. Criteria: ACMG Guidelines, 2015. Collection method: clinical testing. Allele origin: unknown.

Ambry Genetics
Classification: Uncertain significance for Hereditary cancer-predisposing syndrome. Last evaluated: 2021-12-23. Review status: criteria provided, single submitter. Criteria: Ambry Variant Classification Scheme 2023. Collection method: clinical testing. Allele origin: germline.
Comment: The p.Q654P variant (also known as c.1961A>C), located in coding exon 12 of the ATM gene, results from an A to C substitution at nucleotide position 1961. The glutamine at codon 654 is replaced by proline, an amino acid with similar properties. This amino acid position is well conserved in available vertebrate species. In addition, this alteration is predicted to be tolerated by in silico analysis. Since supporting evidence is limited at this time, the clinical significance of this alteration remains unclear.

GeneDx
Classification: Uncertain significance. Last evaluated: 2020-11-09. Review status: criteria provided, single submitter. Criteria: GeneDx Variant Classification Process June 2021. Collection method: clinical testing. Allele origin: germline. Affected: yes.
Comment: Not observed in large population cohorts (Lek et al., 2016); In silico analysis supports that this missense variant has a deleterious effect on protein structure/function; Has not been previously published as pathogenic or benign to our knowledge

Natera, Inc.
Classification: Uncertain significance for Ataxia-telangiectasia. Last evaluated: 2021-05-07. Review status: no assertion criteria provided. Collection method: clinical testing. Allele origin: germline. Not counted in ClinVar's aggregate classification.